The following is an entry in ClinVar:

NM_012186.3(FOXE3):c.276C>T (p.Leu92=)

Genes: FOXE3 (forkhead box E3; plus strand), LINC01389 (long independently transcribed non-coding RNA 1389; minus strand). Cytogenetic location: 1p33.
Variant type: single nucleotide variant.
Coding change: c.276C>T on transcript NM_012186.3 (MANE Select); coding-DNA position 276, C replaced by T.
Protein change: p.Leu92=; no amino-acid change (leucine 92 retained).
Molecular consequence: synonymous variant.
Genome position (GRCh38, 1-based): chr1:47,416,591, C>T. VCF-style: chr1-47416591-C-T. GRCh37 (hg19) VCF-style: chr1-47882263-C-T.
Identifiers: ClinVar variation 707586 (VCV000707586.18), dbSNP rs143712915, ClinGen allele CA842923.

ClinVar aggregate classification (germline): Benign/Likely benign. Review status: criteria provided, multiple submitters, no conflicts (2 of 4 stars). 5 submissions from 5 submitters: Benign (2); Likely benign (3). Last evaluated 2026-01-06.

Conditions:
Cardiovascular phenotype. Identifiers: MedGen CN230736.
Congenital primary aphakia. Also called: Anterior segment dysgenesis 2, multiple subtypes; ANTERIOR SEGMENT DYSGENESIS 2. Identifiers: Orphanet 83461, MedGen C1853230, MONDO:0012456, OMIM 610256.
Anterior segment dysgenesis. Also called: Ocular anterior segment dysgenesis. Identifiers: Orphanet 88632, MedGen C1862839, MONDO:0019503, HP:0007700.

Allele frequency attached by ClinVar (database versions not stated): gnomAD exomes 0.00009 and 0.00022; ExAC 0.00031; 1000 Genomes Project 30x 0.00062; 1000 Genomes Project 0.00080; ESP Exome Variant Server 0.00100; gnomAD 0.00124 and 0.00134; TOPMed 0.00130.

Submissions (5):

Labcorp Genetics (formerly Invitae), Labcorp
Classification: Benign for Anterior segment dysgenesis; Congenital primary aphakia. Last evaluated: 2026-01-06. Review status: criteria provided, single submitter. Criteria: Invitae Variant Classification Sherloc (09022015). Collection method: clinical testing. Allele origin: germline.

Women's Health and Genetics/Laboratory Corporation of America, LabCorp
Classification: Benign. Last evaluated: 2023-08-24. Review status: criteria provided, single submitter. Criteria: LabCorp Variant Classification Summary - May 2015. Collection method: clinical testing. Allele origin: germline.

GeneDx
Classification: Likely benign. Last evaluated: 2020-10-27. Review status: criteria provided, single submitter. Criteria: GeneDx Variant Classification Process June 2021. Collection method: clinical testing. Allele origin: germline. Affected: yes.
Comment: This variant is associated with the following publications: (PMID: 20140963)

Ambry Genetics
Classification: Likely benign for Cardiovascular phenotype. Last evaluated: 2019-07-09. Review status: criteria provided, single submitter. Criteria: Ambry Variant Classification Scheme 2023. Collection method: clinical testing. Allele origin: germline.

Breakthrough Genomics
Classification: Likely benign. Review status: criteria provided, single submitter. Criteria: ACMG Guidelines, 2015. Collection method: not provided. Allele origin: germline. Inheritance: Autosomal recessive inheritance. Affected: yes.